The following is an entry in ClinVar:

NM_005996.4(TBX3):c.*57T>C

Gene: TBX3 (T-box transcription factor 3; minus strand). Cytogenetic location: 12q24.21.
Variant type: single nucleotide variant.
Coding change: c.*57T>C on transcript NM_005996.4 (MANE Select); 57 bases downstream of the stop codon, T replaced by C.
Molecular consequence: 3 prime UTR variant.
Genome position (GRCh38, 1-based): chr12:114,671,784, A>G on the plus strand (T>C on the coding strand, the complement: TBX3 is on the minus strand). VCF-style: chr12-114671784-A-G. GRCh37 (hg19) VCF-style: chr12-115109589-A-G.
Other names: c.*57T>C (NM_016569.4).
Identifiers: ClinVar variation 307348 (VCV000307348.5), dbSNP rs567138179, ClinGen allele CA10636570.
Genomic context (GRCh38, chr12:114,671,784, plus strand): 5'-GACGCAACTGCAAAAGGAAGGGCTAACGCCATGGCGGGCCCGTGGTTTATTTTATATCCG[A>G]CAAAGTGCACGGCAGCCTGAACTGGACTGGAATGAAAAGACGTGTCTGGGACGGGTCTAC-3'

ClinVar aggregate classification (germline): Likely benign (1 of 4 stars; one submission).

Conditions:
Ulnar-mammary syndrome (UMS). Also called: SCHINZEL SYNDROME; Ulnar-mammary syndrome of Pallister; PALLISTER ULNAR-MAMMARY SYNDROME. Identifiers: Orphanet 3138, MedGen C1866994, MONDO:0008411, OMIM 181450.

Allele frequency attached by ClinVar (database versions not stated): gnomAD below 0.00001 and 0.00016; TOPMed 0.00001; 1000 Genomes Project 30x 0.00031; gnomAD exomes 0.00033; 1000 Genomes Project 0.00040.
gnomAD v4.1: 481 of 1,544,146 alleles (0.031%); highest among the groups gnomAD compares: South Asian, 0.55%; 8 homozygotes.

Submission:

Illumina Laboratory Services, Illumina
Classification: Likely benign for Ulnar-mammary syndrome. Last evaluated: 2017-04-27. Review status: criteria provided, single submitter. Criteria: ICSL Variant Classification Criteria 13 December 2019. Collection method: clinical testing. Allele origin: germline.
Comment: This variant was observed as part of a predisposition screen in an ostensibly healthy population. A literature search was performed for the gene, cDNA change, and amino acid change (where applicable). No publications were found based on this search. Allele frequency data from public databases allowed determination this variant is unlikely to cause disease. Therefore, this variant is classified as likely benign.